The following is an entry in ClinVar:

NM_002691.4(POLD1):c.820G>A (p.Ala274Thr)

Gene: POLD1 (DNA polymerase delta 1, catalytic subunit; plus strand). Cytogenetic location: 19q13.33.
Variant type: single nucleotide variant.
Coding change: c.820G>A on transcript NM_002691.4 (MANE Select); coding-DNA position 820, G replaced by A.
Protein change: p.Ala274Thr; replaces alanine 274 with threonine.
Molecular consequence: missense variant. On other transcripts: non-coding transcript variant (1).
Genome position (GRCh38, 1-based): chr19:50,402,515, G>A. VCF-style: chr19-50402515-G-A. GRCh37 (hg19) VCF-style: chr19-50905772-G-A.
Other names: c.820G>A, p.Ala274Thr (NM_001256849.1, NM_001308632.1); c.820G>A (NM_002691.2); short protein forms A274T.
Identifiers: ClinVar variation 239370 (VCV000239370.15), dbSNP rs878854557, ClinGen allele CA10583819.

ClinVar aggregate classification (germline): Conflicting classifications of pathogenicity. Review status: criteria provided, conflicting classifications (1 of 4 stars). 5 submissions from 5 submitters: Uncertain significance (4); Likely benign (1). Last evaluated 2025-10-14.

Conditions:
POLD1-related polyposis and colorectal cancer syndrome (CRCS10). Also called: COLORECTAL CANCER, SUSCEPTIBILITY TO, ON CHROMOSOME 19q; Colorectal cancer 10; Colorectal cancer, susceptibility to, 10. Identifiers: Orphanet 220460, MedGen C2675481, MONDO:0012953, OMIM 612591.
Mandibular hypoplasia-deafness-progeroid syndrome. Also called: Mandibular hypoplasia, deafness, progeroid features, and lipodystrophy syndrome. Identifiers: Orphanet 363649, MedGen C3715192, MONDO:0014157, OMIM 615381.
Hereditary cancer-predisposing syndrome. Also called: Hereditary Cancer Syndrome; Neoplastic Syndromes, Hereditary; Hereditary neoplastic syndrome; Tumor predisposition. Identifiers: Orphanet 140162, MedGen C0027672, MeSH D009386, MONDO:0015356.

Allele frequency attached by ClinVar (database versions not stated): gnomAD 0.00001; gnomAD exomes 0.00001; TOPMed 0.00002.
gnomAD v4.1: 8 of 1,606,810 alleles (0.0005%); highest among the groups gnomAD compares: African/African-American, 0.004%; no homozygotes.

Submissions (5):

Labcorp Genetics (formerly Invitae), Labcorp
Classification: Uncertain significance for POLD1-related polyposis and colorectal cancer syndrome. Last evaluated: 2025-10-14. Review status: criteria provided, single submitter. Criteria: Invitae Variant Classification Sherloc (09022015). Collection method: clinical testing. Allele origin: germline.
Comment: This sequence change replaces alanine, which is neutral and non-polar, with threonine, which is neutral and polar, at codon 274 of the POLD1 protein (p.Ala274Thr). This variant is present in population databases (no rsID available, gnomAD 0.005%). This variant has not been reported in the literature in individuals affected with POLD1-related conditions. ClinVar contains an entry for this variant (Variation ID: 239370). Invitae Evidence Modeling of protein sequence and biophysical properties (such as structural, functional, and spatial information, amino acid conservation, physicochemical variation, residue mobility, and thermodynamic stability) indicates that this missense variant is not expected to disrupt POLD1 protein function with a negative predictive value of 80%. In summary, the available evidence is currently insufficient to determine the role of this variant in disease. Therefore, it has been classified as a Variant of Uncertain Significance.

Center for Genomic Medicine, Rigshospitalet, Copenhagen University Hospital
Classification: Uncertain significance. Last evaluated: 2025-03-04. Review status: criteria provided, single submitter. Criteria: ACMG Guidelines, 2015. Collection method: clinical testing. Allele origin: germline.

Ambry Genetics
Classification: Likely benign for Hereditary cancer-predisposing syndrome. Last evaluated: 2025-01-10. Review status: criteria provided, single submitter. Criteria: Ambry Variant Classification Scheme 2023. Collection method: clinical testing. Allele origin: germline.

GeneDx
Classification: Uncertain significance. Last evaluated: 2023-12-28. Review status: criteria provided, single submitter. Criteria: GeneDx Variant Classification Process June 2021. Collection method: clinical testing. Allele origin: germline.
Comment: Not observed at significant frequency in large population cohorts (gnomAD); In silico analysis supports that this missense variant does not alter protein structure/function; Has not been previously published as pathogenic or benign to our knowledge; This variant is associated with the following publications: (PMID: 25344691, 29056344)

Fulgent Genetics
Classification: Uncertain significance for POLD1-related polyposis and colorectal cancer syndrome; Mandibular hypoplasia-deafness-progeroid syndrome. Last evaluated: 2022-02-02. Review status: criteria provided, single submitter. Criteria: ACMG Guidelines, 2015. Collection method: clinical testing. Allele origin: unknown.